The following is an entry in ClinVar:

NM_001144967.3(NEDD4L):c.2093A>G (p.Asn698Ser)

Gene: NEDD4L (NEDD4 like E3 ubiquitin protein ligase; plus strand). Cytogenetic location: 18q21.31.
Variant type: single nucleotide variant.
Coding change: c.2093A>G on transcript NM_001144967.3 (MANE Select); coding-DNA position 2093, A replaced by G.
Protein change: p.Asn698Ser; replaces asparagine 698 with serine.
Molecular consequence: missense variant.
Genome position (GRCh38, 1-based): chr18:58,367,775, A>G. VCF-style: chr18-58367775-A-G. GRCh37 (hg19) VCF-style: chr18-56035007-A-G.
Other names: c.1730A>G, p.Asn577Ser (NM_001144964.1, NM_001144965.2, NM_001144966.3); c.2069A>G, p.Asn690Ser (NM_001144968.2); c.2009A>G, p.Asn670Ser (NM_001144969.2); c.1670A>G, p.Asn557Ser (NM_001144970.3, NM_001144971.2); c.1901A>G, p.Asn634Ser (NM_001243960.2); c.2033A>G, p.Asn678Ser (NM_015277.6); short protein forms N678S, N698S, N557S, N670S, N577S, N634S, N690S.
Identifiers: ClinVar variation 392668 (VCV000392668.12), dbSNP rs377143286, ClinGen allele CA16608017.

ClinVar aggregate classification (germline): Conflicting classifications of pathogenicity. Review status: criteria provided, conflicting classifications (1 of 4 stars). 4 submissions from 4 submitters: Uncertain significance (3); Benign (1). Last evaluated 2025-09-10.

Conditions:
Periventricular nodular heterotopia 7 (PVNH7). Identifiers: MedGen C4310669, MONDO:0014966, OMIM 617201.
Inborn genetic diseases. Identifiers: MedGen C0950123, MeSH D030342.

Allele frequency attached by ClinVar (database versions not stated): gnomAD exomes 0.00002; TOPMed 0.00002; gnomAD 0.00003.
gnomAD v4.1: 30 of 1,613,840 alleles (0.0019%); highest among the groups gnomAD compares: African/African-American, 0.0027%; no homozygotes.

Submissions (4):

Ambry Genetics
Classification: Uncertain significance for Inborn genetic diseases. Last evaluated: 2025-09-10. Review status: criteria provided, single submitter. Criteria: Ambry Variant Classification Scheme 2023. Collection method: clinical testing. Allele origin: germline.

Labcorp Genetics (formerly Invitae), Labcorp
Classification: Benign. Last evaluated: 2025-08-04. Review status: criteria provided, single submitter. Criteria: Invitae Variant Classification Sherloc (09022015). Collection method: clinical testing. Allele origin: germline.

Fulgent Genetics
Classification: Uncertain significance for Periventricular nodular heterotopia 7. Last evaluated: 2021-10-08. Review status: criteria provided, single submitter. Criteria: ACMG Guidelines, 2015. Collection method: clinical testing. Allele origin: unknown.

GeneDx
Classification: Uncertain significance. Last evaluated: 2019-09-06. Review status: criteria provided, single submitter. Criteria: GeneDx Variant Classification Process June 2021. Collection method: clinical testing. Allele origin: germline. Affected: yes.
Comment: In silico analysis, which includes protein predictors and evolutionary conservation, supports a deleterious effect; Has not been previously published as pathogenic or benign to our knowledge